The following is an entry in ClinVar:

ClinVar aggregate classification (germline): Uncertain significance (1 of 4 stars; one submission).

Conditions:
Chuvash polycythemia. Also called: POLYCYTHEMIA, VHL-DEPENDENT. Identifiers: Orphanet 238557, MedGen C1837915, MONDO:0009892, OMIM 263400.
Von Hippel-Lindau syndrome (VHLS). Also called: Von Hippel-Lindau; VHL syndrome; von Hippel–Lindau syndrome. Identifiers: Orphanet 892, MedGen C0019562, MONDO:0008667, OMIM 193300. Disease mechanism: loss of function.

Submission:

Labcorp Genetics (formerly Invitae), Labcorp
Classification: Uncertain significance for Von Hippel-Lindau syndrome; Chuvash polycythemia. Last evaluated: 2018-12-28. Review status: criteria provided, single submitter. Criteria: Invitae Variant Classification Sherloc (09022015). Collection method: clinical testing. Allele origin: germline.
Comment: In summary, the available evidence is currently insufficient to determine the role of this variant in disease. Therefore, it has been classified as a Variant of Uncertain Significance. Algorithms developed to predict the effect of missense changes on protein structure and function are either unavailable or do not agree on the potential impact of this missense change (SIFT: "Deleterious"; PolyPhen-2: "Probably Damaging"; Align-GVGD: "Class C0"). This sequence change replaces valine with glycine at codon 165 of the VHL protein (p.Val165Gly). The valine residue is highly conserved and there is a moderate physicochemical difference between valine and glycine. This variant is not present in population databases (ExAC no frequency).

NM_000551.4(VHL):c.494T>G (p.Val165Gly)

Genes: VHL (von Hippel-Lindau tumor suppressor; plus strand), LOC107303340 (3p25 von Hippel-Lindau tumor suppressor, E3 ubiquitin protein ligase Alu-mediated recombination region; plus strand). Cytogenetic location: 3p25.3.
Variant type: single nucleotide variant.
Coding change: c.494T>G on transcript NM_000551.4 (MANE Select); coding-DNA position 494, T replaced by G.
Protein change: p.Val165Gly; replaces valine 165 with glycine.
Molecular consequence: missense variant. On other transcripts: 3 prime UTR variant (1).
Genome position (GRCh38, 1-based): chr3:10,149,817, T>G. VCF-style: chr3-10149817-T-G. GRCh37 (hg19) VCF-style: chr3-10191501-T-G.
Other names: c.*48T>G (NM_001354723.2); c.371T>G, p.Val124Gly (NM_198156.3); short protein forms V124G, V165G.
Identifiers: ClinVar variation 652544 (VCV000652544.9), dbSNP rs1575932110, ClinGen allele CA351756169.
Genomic context (GRCh38, chr3:10,149,817, plus strand): 5'-CCACTGAGGATTTGGTTTTTGCCCTTCCAGTGTATACTCTGAAAGAGCGATGCCTCCAGG[T>G]TGTCCGGAGCCTAGTCAAGCCTGAGAATTACAGGAGACTGGACATCGTCAGGTCGCTCTA-3'
Protein context (NP_000542.1, residues 155-175): VYTLKERCLQ[Val165Gly]VRSLVKPENY